The following is an entry in ClinVar:

NM_001042492.3(NF1):c.1668T>C (p.Asp556=)

Gene: NF1 (neurofibromin 1; plus strand). Cytogenetic location: 17q11.2.
Variant type: single nucleotide variant.
Coding change: c.1668T>C on transcript NM_001042492.3 (MANE Select); coding-DNA position 1668, T replaced by C.
Protein change: p.Asp556=; no amino-acid change (aspartic acid 556 retained).
Molecular consequence: synonymous variant.
Genome position (GRCh38, 1-based): chr17:31,221,876, T>C. VCF-style: chr17-31221876-T-C. GRCh37 (hg19) VCF-style: chr17-29548894-T-C.
Other names: c.1668T>C, p.Asp556= (NM_000267.4, NM_001128147.3).
Identifiers: ClinVar variation 819775 (VCV000819775.12), dbSNP rs1597706678, ClinGen allele CA499228275.

ClinVar aggregate classification (germline): Benign/Likely benign. Review status: criteria provided, multiple submitters, no conflicts (2 of 4 stars). 4 submissions from 4 submitters: Benign (1); Likely benign (3). Last evaluated 2026-09-23.

Conditions:
Cardiovascular phenotype. Identifiers: MedGen CN230736.
Hereditary cancer-predisposing syndrome. Also called: Hereditary neoplastic syndrome; Neoplastic Syndromes, Hereditary; Tumor predisposition; Hereditary Cancer Syndrome. Identifiers: Orphanet 140162, MedGen C0027672, MeSH D009386, MONDO:0015356.
Neurofibromatosis, type 1 (NF1). Also called: Neurofibromatosis, type I; Peripheral type neurofibromatosis; VON RECKLINGHAUSEN DISEASE; NEUROFIBROMATOSIS, TYPE I, SOMATIC. Identifiers: Orphanet 636, MedGen C0027831, MONDO:0018975, OMIM 162200. Disease mechanism: loss of function.

Submissions (4):

Myriad Genetics, Inc.
Classification: Benign for Neurofibromatosis, type 1. Last evaluated: 2026-09-23. Review status: criteria provided, single submitter. Criteria: Myriad Autosomal Dominant, Autosomal Recessive and X-Linked Classification Criteria (2023). Collection method: clinical testing. Allele origin: unknown.
Comment: This variant is considered benign. This variant is a silent/synonymous amino acid change and it is not expected to impact splicing.

Labcorp Genetics (formerly Invitae), Labcorp
Classification: Likely benign for Neurofibromatosis, type 1. Last evaluated: 2024-04-22. Review status: criteria provided, single submitter. Criteria: Invitae Variant Classification Sherloc (09022015). Collection method: clinical testing. Allele origin: germline.

Genome-Nilou Lab
Classification: Likely benign for Neurofibromatosis, type 1. Last evaluated: 2022-03-15. Review status: criteria provided, single submitter. Criteria: ACMG Guidelines, 2015. Collection method: clinical testing. Allele origin: germline. Affected: no.

Ambry Genetics
Classification: Likely benign for Cardiovascular phenotype; Hereditary cancer-predisposing syndrome. Last evaluated: 2018-03-16. Review status: criteria provided, single submitter. Criteria: Ambry Variant Classification Scheme 2023. Collection method: clinical testing. Allele origin: germline.